The following is an entry in ClinVar:

NM_031263.4(HNRNPK):c.637A>G (p.Ile213Val)

Genes: HNRNPK (heterogeneous nuclear ribonucleoprotein K; minus strand), HNRNPK-AS1 (HNRNPK antisense RNA 1; plus strand). Cytogenetic location: 9q21.32.
Variant type: single nucleotide variant.
Coding change: c.637A>G on transcript NM_031263.4 (MANE Select); coding-DNA position 637, A replaced by G.
Protein change: p.Ile213Val; replaces isoleucine 213 with valine.
Molecular consequence: missense variant.
Genome position (GRCh38, 1-based): chr9:83,972,852, T>C on the plus strand (A>G on the coding strand, the complement: HNRNPK is on the minus strand). VCF-style: chr9-83972852-T-C. GRCh37 (hg19) VCF-style: chr9-86587767-T-C.
Other names: c.565A>G, p.Ile189Val (NM_001318186.2, NM_001318187.2); c.637A>G, p.Ile213Val (NM_001318188.2, NM_002140.5, NM_031262.4); short protein forms I189V, I213V.
Identifiers: ClinVar variation 4780967 (VCV004780967.1).

ClinVar aggregate classification (germline): Uncertain significance (1 of 4 stars; one submission).

Submission:

Labcorp Genetics (formerly Invitae), Labcorp
Classification: Uncertain significance. Last evaluated: 2025-08-29. Review status: criteria provided, single submitter. Criteria: Invitae Variant Classification Sherloc (09022015). Collection method: clinical testing. Allele origin: germline.
Comment: This sequence change replaces isoleucine, which is neutral and non-polar, with valine, which is neutral and non-polar, at codon 213 of the HNRNPK protein (p.Ile213Val). This variant is present in population databases (rs758182685, gnomAD 0.003%). This variant has not been reported in the literature in individuals affected with HNRNPK-related conditions. Invitae Evidence Modeling of protein sequence and biophysical properties (such as structural, functional, and spatial information, amino acid conservation, physicochemical variation, residue mobility, and thermodynamic stability) indicates that this missense variant is not expected to disrupt HNRNPK protein function with a negative predictive value of 80%. In summary, the available evidence is currently insufficient to determine the role of this variant in disease. Therefore, it has been classified as a Variant of Uncertain Significance.